The following is an entry in ClinVar:

NM_006734.4(HIVEP2):c.3392A>G (p.Gln1131Arg)

Gene: HIVEP2 (HIVEP zinc finger 2; minus strand). Cytogenetic location: 6q24.2.
Variant type: single nucleotide variant.
Coding change: c.3392A>G on transcript NM_006734.4 (MANE Select); coding-DNA position 3392, A replaced by G.
Protein change: p.Gln1131Arg; replaces glutamine 1131 with arginine.
Molecular consequence: missense variant.
Genome position (GRCh38, 1-based): chr6:142,771,347, T>C on the plus strand (A>G on the coding strand, the complement: HIVEP2 is on the minus strand). VCF-style: chr6-142771347-T-C. GRCh37 (hg19) VCF-style: chr6-143092484-T-C.
Other names: c.3392A>G, p.Gln1131Arg (NM_001438449.1, NM_001438450.1, NM_001438451.1); short protein forms Q1131R.
Identifiers: ClinVar variation 4743881 (VCV004743881.1).

ClinVar aggregate classification (germline): Uncertain significance (1 of 4 stars; one submission).

gnomAD v4.1: 2 of 1,613,036 alleles (0.00012%); highest among the groups gnomAD compares: South Asian, 0.0022%; no homozygotes.

Submission:

Labcorp Genetics (formerly Invitae), Labcorp
Classification: Uncertain significance. Last evaluated: 2025-05-17. Review status: criteria provided, single submitter. Criteria: Invitae Variant Classification Sherloc (09022015). Collection method: clinical testing. Allele origin: germline.
Comment: This sequence change replaces glutamine, which is neutral and polar, with arginine, which is basic and polar, at codon 1131 of the HIVEP2 protein (p.Gln1131Arg). This variant is not present in population databases (gnomAD no frequency). This variant has not been reported in the literature in individuals affected with HIVEP2-related conditions. Invitae Evidence Modeling of protein sequence and biophysical properties (such as structural, functional, and spatial information, amino acid conservation, physicochemical variation, residue mobility, and thermodynamic stability) indicates that this missense variant is not expected to disrupt HIVEP2 protein function with a negative predictive value of 80%. In summary, the available evidence is currently insufficient to determine the role of this variant in disease. Therefore, it has been classified as a Variant of Uncertain Significance.